The following is an entry in ClinVar:

ClinVar aggregate classification (germline): Uncertain significance (1 of 4 stars; one submission).

Submission:

Ambry Genetics
Classification: Uncertain significance. Last evaluated: 2026-03-21. Review status: criteria provided, single submitter. Criteria: Ambry Variant Classification Scheme 2023. Collection method: clinical testing. Allele origin: germline.
Comment: The p.S97P variant (also known as c.289T>C), located in coding exon 2 of the GEN1 gene, results from a T to C substitution at nucleotide position 289. The serine at codon 97 is replaced by proline, an amino acid with similar properties. This amino acid position is conserved. In addition, this alteration is predicted to be tolerated by in silico analysis. Based on the available evidence, the clinical significance of this variant remains unclear.

NM_001130009.3(GEN1):c.289T>C (p.Ser97Pro)

Gene: GEN1 (GEN1 structure-specific endonuclease; plus strand). Cytogenetic location: 2p24.2.
Variant type: single nucleotide variant.
Coding change: c.289T>C on transcript NM_001130009.3 (MANE Select); coding-DNA position 289, T replaced by C.
Protein change: p.Ser97Pro; replaces serine 97 with proline.
Molecular consequence: missense variant.
Genome position (GRCh38, 1-based): chr2:17,761,523, T>C. VCF-style: chr2-17761523-T-C. GRCh37 (hg19) VCF-style: chr2-17942790-T-C.
Other names: c.289T>C, p.Ser97Pro (NM_182625.5); short protein forms S97P.
Identifiers: ClinVar variation 4857940 (VCV004857940.1).